The following is an entry in ClinVar:

ClinVar aggregate classification (germline): Conflicting classifications of pathogenicity. Review status: criteria provided, conflicting classifications (1 of 4 stars). 3 submissions from 3 submitters: Uncertain significance (2); Likely benign (1). Last evaluated 2026-04-01.

Conditions:
Combined oxidative phosphorylation defect type 25. Also called: Combined oxidative phosphorylation deficiency 25. Identifiers: Orphanet 447954, MedGen C5567742, MONDO:0014636, OMIM 616430.
Spastic ataxia 3. Also called: Ataxia, spastic, 3, autosomal recessive; AUTOSOMAL RECESSIVE SPASTIC ATAXIA WITH LEUKOENCEPHALOPATHY. Identifiers: Orphanet 314603, MedGen C1969645, MONDO:0012664, OMIM 611390.

Allele frequency attached by ClinVar (database versions not stated): ExAC 0.00024; gnomAD exomes 0.00026 and 0.00061; gnomAD 0.00035 and 0.00037; TOPMed 0.00044; ESP Exome Variant Server 0.00046.
gnomAD v4.1: 963 of 1,612,982 alleles (0.06%); highest among the groups gnomAD compares: Middle Eastern, 0.084%; no homozygotes.

Submissions (3):

CeGaT Center for Human Genetics Tuebingen
Classification: Likely benign. Last evaluated: 2026-04-01. Review status: criteria provided, single submitter. Criteria: CeGaT Center For Human Genetics Tuebingen Variant Classification Criteria Version 2. Collection method: clinical testing. Allele origin: germline. Affected: yes. Observed: 3 variant alleles.
Comment: MARS2: BP4

Labcorp Genetics (formerly Invitae), Labcorp
Classification: Uncertain significance. Last evaluated: 2025-07-30. Review status: criteria provided, single submitter. Criteria: Invitae Variant Classification Sherloc (09022015). Collection method: clinical testing. Allele origin: germline.
Comment: This sequence change replaces leucine, which is neutral and non-polar, with valine, which is neutral and non-polar, at codon 21 of the MARS2 protein (p.Leu21Val). This variant is present in population databases (rs140705634, gnomAD 0.05%), and has an allele count higher than expected for a pathogenic variant. This variant has not been reported in the literature in individuals affected with MARS2-related conditions. ClinVar contains an entry for this variant (Variation ID: 1512982). An algorithm developed to predict the effect of missense changes on protein structure and function (PolyPhen-2) suggests that this variant is likely to be tolerated. In summary, the available evidence is currently insufficient to determine the role of this variant in disease. Therefore, it has been classified as a Variant of Uncertain Significance.

Department of Pathology and Laboratory Medicine, Sinai Health System
Classification: Uncertain significance for Spastic ataxia 3; Combined oxidative phosphorylation defect type 25. Last evaluated: 2020-04-30. Review status: criteria provided, single submitter. Criteria: ACMG Guidelines, 2015. Collection method: research. Allele origin: germline.

NM_138395.4(MARS2):c.61C>G (p.Leu21Val)

Gene: MARS2 (methionyl-tRNA synthetase 2, mitochondrial; plus strand). Cytogenetic location: 2q33.1.
Variant type: single nucleotide variant.
Coding change: c.61C>G on transcript NM_138395.4 (MANE Select); coding-DNA position 61, C replaced by G.
Protein change: p.Leu21Val; replaces leucine 21 with valine.
Molecular consequence: missense variant.
Genome position (GRCh38, 1-based): chr2:197,705,466, C>G. VCF-style: chr2-197705466-C-G. GRCh37 (hg19) VCF-style: chr2-198570190-C-G.
Other names: short protein forms L21V.
Identifiers: ClinVar variation 1512982 (VCV001512982.33), dbSNP rs140705634, ClinGen allele CA323908.
Genomic context (GRCh38, chr2:197,705,466, plus strand): 5'-ATGCTGCGAACGTCCGTCCTCCGCCTGCTAGGACGCACGGGGGCTAGTAGGCTGTCTCTC[C>G]TGGAGGACTTCGGCCCACGCTACTACAGTTCGGGCTCCCTCAGTGCCGGCGATGATGCTT-3'
Protein context (NP_612404.1, residues 11-31): GRTGASRLSL[Leu21Val]EDFGPRYYSS